The following is an entry in ClinVar:

ClinVar aggregate classification (germline): Uncertain significance. Review status: criteria provided, multiple submitters, no conflicts (2 of 4 stars). 5 submissions from 5 submitters: Uncertain significance (5). Last evaluated 2024-12-06.

Conditions:
Hereditary breast ovarian cancer syndrome. Also called: Hereditary breast and ovarian cancer syndrome; BRCA1- and BRCA2-Associated Hereditary Breast and Ovarian Cancer; Breast and ovarian cancer; Hereditary breast and/or ovarian cancer syndrome; Hereditary breast and ovarian cancer; Hereditary breast and ovarian cancer syndrome (HBOC). Identifiers: Orphanet 145, MedGen C0677776, MeSH D061325, MONDO:0003582. Disease mechanism: loss of function.
Hereditary cancer-predisposing syndrome. Also called: Neoplastic Syndromes, Hereditary; Tumor predisposition; Hereditary Cancer Syndrome; Hereditary neoplastic syndrome. Identifiers: Orphanet 140162, MedGen C0027672, MeSH D009386, MONDO:0015356.
BRCA2-related cancer predisposition. Identifiers: MedGen CN377758, MONDO:0700269.

Allele frequency attached by ClinVar (database versions not stated): gnomAD exomes below 0.00001 and 0.00001; ExAC 0.00001; gnomAD 0.00001.
gnomAD v4.1: 19 of 1,613,622 alleles (0.0012%); highest among the groups gnomAD compares: Non-Finnish European, 0.0016%; no homozygotes.

Submissions (5):

Ambry Genetics
Classification: Uncertain significance for Hereditary cancer-predisposing syndrome. Last evaluated: 2024-12-06. Review status: criteria provided, single submitter. Criteria: Ambry Variant Classification Scheme 2023. Collection method: clinical testing. Allele origin: germline.
Comment: The p.D244Y variant (also known as c.730G>T), located in coding exon 8 of the BRCA2 gene, results from a G to T substitution at nucleotide position 730. The aspartic acid at codon 244 is replaced by tyrosine, an amino acid with highly dissimilar properties. This amino acid position is not well conserved in available vertebrate species. In addition, this alteration is predicted to be tolerated by in silico analysis. Based on the available evidence, the clinical significance of this variant remains unclear.

All of Us Research Program, National Institutes of Health
Classification: Uncertain significance for BRCA2-related cancer predisposition. Last evaluated: 2024-05-14. Review status: criteria provided, single submitter. Criteria: ACMG Guidelines, 2015. Collection method: clinical testing. Allele origin: germline. Inheritance: Autosomal dominant inheritance. Observed: 1 variant allele, 1 heterozygote.
Comment: This missense variant replaces aspartic acid with tyrosine at codon 244 of the BRCA2 protein. Computational prediction suggests that this variant may not impact protein structure and function. To our knowledge, functional studies have not been reported for this variant. This variant has not been reported in individuals affected with BRCA2-related disorders in the literature. This variant has been identified in 1/250784 chromosomes in the general population by the Genome Aggregation Database (gnomAD). The available evidence is insufficient to determine the role of this variant in disease conclusively. Therefore, this variant is classified as a Variant of Uncertain Significance.

This study involves interpretation of variants in research participants for the purpose of population health screening. Participant phenotype was not available at the time of variant classification. Additional details can be found in publication PMID: 35346344, PMCID: PMC8962531

Color Diagnostics, LLC DBA Color Health
Classification: Uncertain significance for Hereditary cancer-predisposing syndrome. Last evaluated: 2024-03-29. Review status: criteria provided, single submitter. Criteria: ACMG Guidelines, 2015. Collection method: clinical testing. Allele origin: germline.
Comment: This missense variant replaces aspartic acid with tyrosine at codon 244 of the BRCA2 protein. Computational prediction suggests that this variant may not impact protein structure and function. To our knowledge, functional studies have not been reported for this variant. This variant has not been reported in individuals affected with BRCA2-related disorders in the literature. This variant has been identified in 1/250784 chromosomes in the general population by the Genome Aggregation Database (gnomAD). The available evidence is insufficient to determine the role of this variant in disease conclusively. Therefore, this variant is classified as a Variant of Uncertain Significance.

Women's Health and Genetics/Laboratory Corporation of America, LabCorp
Classification: Uncertain significance. Last evaluated: 2023-04-13. Review status: criteria provided, single submitter. Criteria: LabCorp Variant Classification Summary - May 2015. Collection method: clinical testing. Allele origin: germline.

Labcorp Genetics (formerly Invitae), Labcorp
Classification: Uncertain significance for Hereditary breast ovarian cancer syndrome. Last evaluated: 2022-12-21. Review status: criteria provided, single submitter. Criteria: Invitae Variant Classification Sherloc (09022015). Collection method: clinical testing. Allele origin: germline.
Comment: This variant has not been reported in the literature in individuals affected with BRCA2-related conditions. The frequency data for this variant in the population databases is considered unreliable, as metrics indicate poor data quality at this position in the gnomAD database. This sequence change replaces aspartic acid, which is acidic and polar, with tyrosine, which is neutral and polar, at codon 244 of the BRCA2 protein (p.Asp244Tyr). ClinVar contains an entry for this variant (Variation ID: 233098). In summary, the available evidence is currently insufficient to determine the role of this variant in disease. Therefore, it has been classified as a Variant of Uncertain Significance. Advanced modeling of protein sequence and biophysical properties (such as structural, functional, and spatial information, amino acid conservation, physicochemical variation, residue mobility, and thermodynamic stability) performed at Invitae indicates that this missense variant is not expected to disrupt BRCA2 protein function.

NM_000059.4(BRCA2):c.730G>T (p.Asp244Tyr)

Gene: BRCA2 (BRCA2 DNA repair associated; plus strand). Cytogenetic location: 13q13.1.
Variant type: single nucleotide variant.
Coding change: c.730G>T on transcript NM_000059.4 (MANE Select); coding-DNA position 730, G replaced by T.
Protein change: p.Asp244Tyr; replaces aspartic acid 244 with tyrosine.
Molecular consequence: missense variant.
Genome position (GRCh38, 1-based): chr13:32,330,967, G>T. VCF-style: chr13-32330967-G-T. GRCh37 (hg19) VCF-style: chr13-32905104-G-T.
Other names: short protein forms D244Y.
Identifiers: ClinVar variation 233098 (VCV000233098.21), dbSNP rs80358956, ClinGen allele CA6940438.